The following is an entry in ClinVar:

NM_032578.4(MYPN):c.1900G>A (p.Gly634Arg)

Gene: MYPN (myopalladin; plus strand). Cytogenetic location: 10q21.3.
Variant type: single nucleotide variant.
Coding change: c.1900G>A on transcript NM_032578.4 (MANE Select); coding-DNA position 1900, G replaced by A.
Protein change: p.Gly634Arg; replaces glycine 634 with arginine.
Molecular consequence: missense variant. On other transcripts: non-coding transcript variant (2).
Genome position (GRCh38, 1-based): chr10:68,166,593, G>A. VCF-style: chr10-68166593-G-A. GRCh37 (hg19) VCF-style: chr10-69926350-G-A.
Other names: p.Gly634Arg; c.1900G>A, p.Gly634Arg (NM_001256267.2); c.1018G>A, p.Gly340Arg (NM_001256268.2); short protein forms G634R, G340R.
Identifiers: ClinVar variation 520319 (VCV000520319.23), dbSNP rs148407539, ClinGen allele CA5522679.

ClinVar aggregate classification (germline): Likely benign. Review status: criteria provided, multiple submitters, no conflicts (2 of 4 stars). 6 submissions from 6 submitters: Likely benign (5). 1 of the submissions does not count toward it. Last evaluated 2026-01-15.

Conditions:
MYPN-related disorder. Also called: MYPN-related condition.
Dilated cardiomyopathy 1KK (CMD1KK). Identifiers: Orphanet 154, Orphanet 75249, MedGen C3714995, MONDO:0014100, OMIM 615248.
Cardiovascular phenotype. Identifiers: MedGen CN230736.

Allele frequency attached by ClinVar (database versions not stated): ESP Exome Variant Server 0.00015; gnomAD exomes 0.00015 and 0.00044; gnomAD 0.00016 and 0.00017; ExAC 0.00024; TOPMed 0.00024.
gnomAD v4.1: 246 of 1,614,108 alleles (0.015%); highest among the groups gnomAD compares: Admixed American, 0.21%; 3 homozygotes.

Submissions (6):

Labcorp Genetics (formerly Invitae), Labcorp
Classification: Likely benign for Dilated cardiomyopathy 1KK. Last evaluated: 2026-01-15. Review status: criteria provided, single submitter. Criteria: Invitae Variant Classification Sherloc (09022015). Collection method: clinical testing. Allele origin: germline.

Mayo Clinic Laboratories, Mayo Clinic
Classification: Likely benign. Last evaluated: 2025-06-02. Review status: criteria provided, single submitter. Criteria: ACMG Guidelines, 2015. Collection method: clinical testing. Allele origin: germline. Observed: 3 variant alleles.
Comment: BS1, BP4

Women's Health and Genetics/Laboratory Corporation of America, LabCorp
Classification: Likely benign. Last evaluated: 2025-01-17. Review status: criteria provided, single submitter. Criteria: LabCorp Variant Classification Summary - May 2015. Collection method: clinical testing. Allele origin: germline.

GeneDx
Classification: Likely benign. Last evaluated: 2019-03-21. Review status: criteria provided, single submitter. Criteria: GeneDx Variant Classification Process June 2021. Collection method: clinical testing. Allele origin: germline. Affected: yes.

Ambry Genetics
Classification: Likely benign for Cardiovascular phenotype. Last evaluated: 2018-08-07. Review status: criteria provided, single submitter. Criteria: Ambry Variant Classification Scheme 2023. Collection method: clinical testing. Allele origin: germline.

PreventionGenetics, part of Exact Sciences
Classification: Likely benign for MYPN-related condition. Last evaluated: 2022-05-16. Review status: no assertion criteria provided. Collection method: clinical testing. Allele origin: germline. Not counted in ClinVar's aggregate classification.
Comment: This variant is classified as likely benign based on ACMG/AMP sequence variant interpretation guidelines (Richards et al. 2015 PMID: 25741868, with internal and published modifications).